The following is an entry in ClinVar:

NM_001122955.4(BSCL2):c.419C>G (p.Ser140Cys)

Genes: BSCL2 (BSCL2 lipid droplet biogenesis associated, seipin; minus strand), HNRNPUL2-BSCL2 (HNRNPUL2-BSCL2 readthrough (NMD candidate); minus strand). Cytogenetic location: 11q12.3.
Variant type: single nucleotide variant.
Coding change: c.419C>G on transcript NM_001122955.4 (MANE Select); coding-DNA position 419, C replaced by G.
Protein change: p.Ser140Cys; replaces serine 140 with cysteine.
Molecular consequence: missense variant. On other transcripts: non-coding transcript variant (1).
Genome position (GRCh38, 1-based): chr11:62,702,535, G>C on the plus strand (C>G on the coding strand, the complement: BSCL2 is on the minus strand). VCF-style: chr11-62702535-G-C. GRCh37 (hg19) VCF-style: chr11-62470007-G-C.
Other names: c.227C>G, p.Ser76Cys (NM_001130702.2, NM_032667.6); c.419C>G, p.Ser140Cys (NM_001386027.1, NM_001386028.1); short protein forms S140C, S76C.
Identifiers: ClinVar variation 805501 (VCV000805501.7), dbSNP rs1590881712, ClinGen allele CA380968678.
Genomic context (GRCh38, chr11:62,702,535, plus strand): 5'-CGTCCACCCTTAGTCAGCGAGACATTGGCAACAGGGAAGGAGCAGAGTGAGGTGGTGGAG[G>C]AATCACAGTCGGTCCTAAATGAGATTGGAGGAGGATACTCTGCTAAGTTAGTCTTACTAG-3'
Protein context (NP_001116427.1, residues 130-150): VHFYYRTDCD[Ser140Cys]STTSLCSFPV

ClinVar aggregate classification (germline): Uncertain significance. Review status: criteria provided, multiple submitters, no conflicts (2 of 4 stars). 3 submissions from 3 submitters: Uncertain significance (3). Last evaluated 2026-05-26.

Conditions:
Charcot-Marie-Tooth disease type 2. Also called: Charcot-Marie-Tooth type 2. Identifiers: Orphanet 64746, MedGen C0270914, MONDO:0018993.
BSCL2-related disorder. Also called: BSCL2-related condition; BSCL2-Related Disorders.

Submissions (3):

PreventionGenetics, part of Exact Sciences
Classification: Uncertain significance for BSCL2-related condition. Last evaluated: 2026-05-26. Review status: criteria provided, single submitter. Criteria: ACMG Guidelines, 2015. Collection method: clinical testing. Allele origin: germline.
Comment: The BSCL2 c.419C>G variant is predicted to result in the amino acid substitution p.Ser140Cys. To our knowledge, this variant has not been reported in the literature or in a large population database (gnomAD), indicating this variant is rare. At this time, the clinical significance of this variant is uncertain due to the absence of conclusive functional and genetic evidence.

Labcorp Genetics (formerly Invitae), Labcorp
Classification: Uncertain significance for Charcot-Marie-Tooth disease type 2. Last evaluated: 2024-10-19. Review status: criteria provided, single submitter. Criteria: Invitae Variant Classification Sherloc (09022015). Collection method: clinical testing. Allele origin: germline.
Comment: This sequence change replaces serine, which is neutral and polar, with cysteine, which is neutral and slightly polar, at codon 76 of the BSCL2 protein (p.Ser76Cys). This variant is not present in population databases (gnomAD no frequency). This variant has not been reported in the literature in individuals affected with BSCL2-related conditions. ClinVar contains an entry for this variant (Variation ID: 805501). Invitae Evidence Modeling of protein sequence and biophysical properties (such as structural, functional, and spatial information, amino acid conservation, physicochemical variation, residue mobility, and thermodynamic stability) indicates that this missense variant is not expected to disrupt BSCL2 protein function with a negative predictive value of 80%. In summary, the available evidence is currently insufficient to determine the role of this variant in disease. Therefore, it has been classified as a Variant of Uncertain Significance.

Athena Diagnostics
Classification: Uncertain significance. Last evaluated: 2018-09-21. Review status: criteria provided, single submitter. Criteria: Athena Diagnostics Criteria. Collection method: clinical testing. Allele origin: germline.